The following is an entry in ClinVar:

NM_005359.6(SMAD4):c.240dup (p.Arg81fs)

Gene: SMAD4 (SMAD family member 4; plus strand). Cytogenetic location: 18q21.2.
Variant type: Duplication.
Coding change: c.240dup on transcript NM_005359.6 (MANE Select); coding-DNA position 240, one base duplicated (G; older notation c.240dupG).
Protein change: p.Arg81fs; shifts the reading frame from arginine 81.
Molecular consequence: frameshift variant. On other transcripts: non-coding transcript variant (2).
Genome position (GRCh38, 1-based): chr18:51,047,286, G duplicated; the last of 3 consecutive G bases (chr18:51,047,284-51,047,286); duplicating any one gives the same sequence. VCF-style (leftmost placement, unchanged base first): chr18-51047283-T-TG. GRCh37 (hg19) VCF-style: chr18-48573653-T-TG.
Other names: c.240dupG (NM_005359.5); c.240dup, p.Arg81fs (NM_001407041.1, NM_001407042.1, NM_001407043.1); short protein forms R81fs.
Identifiers: ClinVar variation 3445881 (VCV003445881.1).

ClinVar aggregate classification (germline): Pathogenic (1 of 4 stars; one submission).

Conditions:
Familial thoracic aortic aneurysm and aortic dissection (TAAD). Also called: Thoracic aortic aneurysms and dissections. Identifiers: Orphanet 91387, MedGen C4707243, MONDO:0019625.
Hereditary cancer-predisposing syndrome. Also called: Tumor predisposition; Neoplastic Syndromes, Hereditary; Hereditary neoplastic syndrome; Hereditary Cancer Syndrome. Identifiers: Orphanet 140162, MedGen C0027672, MeSH D009386, MONDO:0015356.

Submission:

Ambry Genetics
Classification: Pathogenic for Hereditary cancer-predisposing syndrome; Familial thoracic aortic aneurysm and aortic dissection. Last evaluated: 2024-11-21. Review status: criteria provided, single submitter. Criteria: Ambry Variant Classification Scheme 2023. Collection method: clinical testing. Allele origin: germline.
Comment: The c.240dupG pathogenic mutation, located in coding exon 1 of the SMAD4 gene, results from a duplication of G at nucleotide position 240, causing a translational frameshift with a predicted alternate stop codon (p.R81Efs*23). This variant is considered to be rare based on population cohorts in the Genome Aggregation Database (gnomAD). This alteration is expected to result in loss of function by premature protein truncation or nonsense-mediated mRNA decay. As such, this alteration is interpreted as a disease-causing mutation.